The following is an entry in ClinVar:

NM_005422.4(TECTA):c.4144G>A (p.Val1382Met)

Genes: TBCEL-TECTA (TBCEL-TECTA readthrough; plus strand), TECTA (tectorin alpha; plus strand). Cytogenetic location: 11q23.3.
Variant type: single nucleotide variant.
Coding change: c.4144G>A on transcript NM_005422.4 (MANE Select); coding-DNA position 4144, G replaced by A.
Protein change: p.Val1382Met; replaces valine 1382 with methionine.
Molecular consequence: missense variant.
Genome position (GRCh38, 1-based): chr11:121,152,919, G>A. VCF-style: chr11-121152919-G-A. GRCh37 (hg19) VCF-style: chr11-121023628-G-A.
Other names: c.5101G>A, p.Val1701Met (NM_001378761.1); short protein forms V1382M, V1701M.
Identifiers: ClinVar variation 3621704 (VCV003621704.2).

ClinVar aggregate classification (germline): Uncertain significance (1 of 4 stars; one submission).

gnomAD v4.1: 10 of 1,610,564 alleles (0.00062%); highest among the groups gnomAD compares: African/African-American, 0.0053%; no homozygotes.

Submission:

Labcorp Genetics (formerly Invitae), Labcorp
Classification: Uncertain significance. Last evaluated: 2025-03-17. Review status: criteria provided, single submitter. Criteria: Invitae Variant Classification Sherloc (09022015). Collection method: clinical testing. Allele origin: germline.
Comment: This sequence change replaces valine, which is neutral and non-polar, with methionine, which is neutral and non-polar, at codon 1382 of the TECTA protein (p.Val1382Met). This variant is present in population databases (rs199637730, gnomAD 0.01%). This variant has not been reported in the literature in individuals affected with TECTA-related conditions. Invitae Evidence Modeling of protein sequence and biophysical properties (such as structural, functional, and spatial information, amino acid conservation, physicochemical variation, residue mobility, and thermodynamic stability) indicates that this missense variant is not expected to disrupt TECTA protein function with a negative predictive value of 95%. In summary, the available evidence is currently insufficient to determine the role of this variant in disease. Therefore, it has been classified as a Variant of Uncertain Significance.